The following is an entry in ClinVar:

ClinVar aggregate classification (germline): Uncertain significance. Review status: criteria provided, single submitter (1 of 4 stars). 2 submissions from 2 submitters: Uncertain significance (1). 1 of the submissions does not count toward it. Last evaluated 2023-09-22.

gnomAD v4.1: 1 of 1,613,914 alleles (0.000062%); no homozygotes.

Submissions (2):

Mayo Clinic Laboratories, Mayo Clinic
Classification: Uncertain significance. Last evaluated: 2023-09-22. Review status: criteria provided, single submitter. Criteria: ACMG Guidelines, 2015. Collection method: clinical testing. Allele origin: germline. Observed: 1 variant allele.
Comment: PM2_moderate

Department of Pathology and Laboratory Medicine, Sinai Health System
Classification: Uncertain significance. Review status: no assertion criteria provided. Collection method: clinical testing. Allele origin: unknown. Affected: yes. Study: The Canadian Open Genetics Repository (COGR). Not counted in ClinVar's aggregate classification.
Comment: The SACS p.Leu2821Phe variant was not identified in the literature nor was it identified in the dbSNP, ClinVar, Cosmic, MutDB, and LOVD 3.0 databases. The variant was not identified in the following control databases: the 1000 Genomes Project, the NHLBI GO Exome Sequencing Project, the Exome Aggregation Consortium (August 8th 2016), or the Genome Aggregation Database (Feb 27, 2017). The p.Leu2821Phe variant occurs outside of the splicing consensus sequence and is predicted to have no significant impact on splicing by all prediction programs (SpliceSiteFinder-Like, MaxEntScan, NNSplice, GeneSplicer). The p.Leu2821 residue is conserved across mammals and other organisms. Computational analyses (PolyPhen-2, SIFT, AlignGVGD, BLOSUM, MutationTaster) provide inconsistent predictions regarding the impact to the protein, with PolyPhen, SIFT and MutationTaster predicting an impact to the protein. This information is not very predictive of pathogenicity. In summary, based on the above information the clinical significance of this variant cannot be determined with certainty at this time. This variant is classified as a variant of uncertain significance.

NM_014363.6(SACS):c.8902C>T (p.Leu2968Phe)

Gene: SACS (sacsin molecular chaperone; minus strand). Cytogenetic location: 13q12.12.
Variant type: single nucleotide variant.
Coding change: c.8902C>T on transcript NM_014363.6 (MANE Select); coding-DNA position 8902, C replaced by T.
Protein change: p.Leu2968Phe; replaces leucine 2968 with phenylalanine.
Molecular consequence: missense variant.
Genome position (GRCh38, 1-based): chr13:23,334,974, G>A on the plus strand (C>T on the coding strand, the complement: SACS is on the minus strand). VCF-style: chr13-23334974-G-A. GRCh37 (hg19) VCF-style: chr13-23909113-G-A.
Other names: p.Leu2968Phe; c.8461C>T, p.Leu2821Phe (NM_001278055.2); short protein forms L2821F, L2968F.
Identifiers: ClinVar variation 1050150 (VCV001050150.2), dbSNP rs768978881, ClinGen allele CA387515621.